The following is an entry in ClinVar:

NM_015046.7(SETX):c.337C>T (p.Pro113Ser)

Gene: SETX (senataxin; minus strand). Cytogenetic location: 9q34.13.
Variant type: single nucleotide variant.
Coding change: c.337C>T on transcript NM_015046.7 (MANE Select); coding-DNA position 337, C replaced by T.
Protein change: p.Pro113Ser; replaces proline 113 with serine.
Molecular consequence: missense variant.
Genome position (GRCh38, 1-based): chr9:132,346,312, G>A on the plus strand (C>T on the coding strand, the complement: SETX is on the minus strand). VCF-style: chr9-132346312-G-A. GRCh37 (hg19) VCF-style: chr9-135221699-G-A.
Other names: c.337C>T, p.Pro113Ser (NM_001351527.2, NM_001351528.2); short protein forms P113S.
Identifiers: ClinVar variation 1730806 (VCV001730806.2), dbSNP rs2539238950, ClinGen allele CA375351211.

ClinVar aggregate classification (germline): Uncertain significance (1 of 4 stars; one submission).

Conditions:
Inborn genetic diseases. Identifiers: MedGen C0950123, MeSH D030342.

Submission:

Ambry Genetics
Classification: Uncertain significance for Inborn genetic diseases. Last evaluated: 2020-07-15. Review status: criteria provided, single submitter. Criteria: Ambry Variant Classification Scheme 2023. Collection method: clinical testing. Allele origin: germline.
Comment: The p.P113S variant (also known as c.337C>T), located in coding exon 2 of the SETX gene, results from a C to T substitution at nucleotide position 337. The proline at codon 113 is replaced by serine, an amino acid with similar properties. This amino acid position is highly conserved in available vertebrate species. In addition, the in silico prediction for this alteration is inconclusive. Since supporting evidence is limited at this time, the clinical significance of this alteration remains unclear.